The following is an entry in ClinVar:

NM_001004334.4(GPR179):c.5872T>C (p.Cys1958Arg)

Gene: GPR179 (G protein-coupled receptor 179; minus strand). Cytogenetic location: 17q12.
Variant type: single nucleotide variant.
Coding change: c.5872T>C on transcript NM_001004334.4 (MANE Select); coding-DNA position 5872, T replaced by C.
Protein change: p.Cys1958Arg; replaces cysteine 1958 with arginine.
Molecular consequence: missense variant.
Genome position (GRCh38, 1-based): chr17:38,327,697, A>G on the plus strand (T>C on the coding strand, the complement: GPR179 is on the minus strand). VCF-style: chr17-38327697-A-G. GRCh37 (hg19) VCF-style: chr17-36483580-A-G.
Other names: c.5872T>C (NM_001004334.2); short protein forms C1958R.
Identifiers: ClinVar variation 1058799 (VCV001058799.8), dbSNP rs368927813, ClinGen allele CA290103263.

ClinVar aggregate classification (germline): Uncertain significance. Review status: criteria provided, multiple submitters, no conflicts (2 of 4 stars). 2 submissions from 2 submitters: Uncertain significance (2). Last evaluated 2026-01-07.

Conditions:
Inborn genetic diseases. Identifiers: MedGen C0950123, MeSH D030342.
Congenital stationary night blindness 1E. Also called: Night blindness, congenital stationary (complete), 1E, autosomal recessive. Identifiers: Orphanet 215, MedGen C3281215, MONDO:0013807, OMIM 614565.

Allele frequency attached by ClinVar (database versions not stated): ExAC 0.00004; gnomAD exomes 0.00004 and 0.00006; TOPMed 0.00005; gnomAD 0.00007; ESP Exome Variant Server 0.00008.
gnomAD v4.1: 98 of 1,614,092 alleles (0.0061%); highest among the groups gnomAD compares: Middle Eastern, 0.016%; no homozygotes.

Submissions (2):

Labcorp Genetics (formerly Invitae), Labcorp
Classification: Uncertain significance. Last evaluated: 2026-01-07. Review status: criteria provided, single submitter. Criteria: Invitae Variant Classification Sherloc (09022015). Collection method: clinical testing. Allele origin: germline.
Comment: This sequence change replaces cysteine, which is neutral and slightly polar, with arginine, which is basic and polar, at codon 1958 of the GPR179 protein (p.Cys1958Arg). This variant is present in population databases (rs368927813, gnomAD 0.009%). This variant has not been reported in the literature in individuals affected with GPR179-related conditions. ClinVar contains an entry for this variant (Variation ID: 1058799). An algorithm developed to predict the effect of missense changes on protein structure and function outputs the following: PolyPhen-2: "Benign". The arginine amino acid residue is found in multiple mammalian species, which suggests that this missense change does not adversely affect protein function. In summary, the available evidence is currently insufficient to determine the role of this variant in disease. Therefore, it has been classified as a Variant of Uncertain Significance.

Ambry Genetics
Classification: Uncertain significance for Inborn genetic diseases. Last evaluated: 2024-12-06. Review status: criteria provided, single submitter. Criteria: Ambry Variant Classification Scheme 2023. Collection method: clinical testing. Allele origin: germline.